The following is an entry in ClinVar:

ClinVar aggregate classification (germline): Uncertain significance (1 of 4 stars; one submission).

gnomAD v4.1: 3 of 1,612,626 alleles (0.00019%); highest among the groups gnomAD compares: East Asian, 0.0045%; no homozygotes.

Submission:

Labcorp Genetics (formerly Invitae), Labcorp
Classification: Uncertain significance. Last evaluated: 2022-03-17. Review status: criteria provided, single submitter. Criteria: Invitae Variant Classification Sherloc (09022015). Collection method: clinical testing. Allele origin: germline.
Comment: This variant is not present in population databases (gnomAD no frequency). In summary, the available evidence is currently insufficient to determine the role of this variant in disease. Therefore, it has been classified as a Variant of Uncertain Significance. Algorithms developed to predict the effect of missense changes on protein structure and function (SIFT, PolyPhen-2, Align-GVGD) all suggest that this variant is likely to be disruptive. This variant has not been reported in the literature in individuals affected with TMEM126A-related conditions. This sequence change replaces tryptophan, which is neutral and slightly polar, with cysteine, which is neutral and slightly polar, at codon 148 of the TMEM126A protein (p.Trp148Cys).

NM_032273.4(TMEM126A):c.444G>T (p.Trp148Cys)

Gene: TMEM126A (transmembrane protein 126A; plus strand). Cytogenetic location: 11q14.1.
Variant type: single nucleotide variant.
Coding change: c.444G>T on transcript NM_032273.4 (MANE Select); coding-DNA position 444, G replaced by T.
Protein change: p.Trp148Cys; replaces tryptophan 148 with cysteine.
Molecular consequence: missense variant.
Genome position (GRCh38, 1-based): chr11:85,656,357, G>T. VCF-style: chr11-85656357-G-T. GRCh37 (hg19) VCF-style: chr11-85367401-G-T.
Other names: c.234G>T, p.Trp78Cys (NM_001244735.2); short protein forms W148C, W78C.
Identifiers: ClinVar variation 1958750 (VCV001958750.5), dbSNP rs2547852010, ClinGen allele CA381997478.